The following is an entry in ClinVar:

ClinVar aggregate classification (germline): Pathogenic/Likely pathogenic. Review status: criteria provided, multiple submitters, no conflicts (2 of 4 stars). 3 submissions from 3 submitters: Pathogenic (1); Likely pathogenic (2). Last evaluated 2026-07-15.

Conditions:
Meckel-Gruber syndrome. Also called: Dysencephalia splachnocystica; DYSENCEPHALIA SPLANCHNOCYSTICA; GRUBER SYNDROME. Identifiers: Orphanet 564, MedGen C0265215, MONDO:0018921.
Joubert syndrome. Also called: Familial aplasia of the vermis; JOUBERT-BOLTSHAUSER SYNDROME. Identifiers: Orphanet 475, MedGen C5979921, MONDO:0018772.
CC2D2A-related disorder. Also called: CC2D2A-related disorders; CC2D2A-related condition. Identifiers: MedGen CN239313.

Allele frequency attached by ClinVar (database versions not stated): TOPMed below 0.00001.

Submissions (3):

PreventionGenetics, part of Exact Sciences
Classification: Likely pathogenic for CC2D2A-related condition. Last evaluated: 2026-07-15. Review status: criteria provided, single submitter. Criteria: ACMG Guidelines, 2015. Collection method: clinical testing. Allele origin: germline.
Comment: The CC2D2A c.4065+2T>C variant is predicted to disrupt the GT donor site and interfere with normal splicing. To our knowledge, this variant has not been reported in literature or in a large population database (gnomAD). Variants that disrupt the consensus splice donor site in CC2D2A are expected to be pathogenic. This variant is interpreted as likely pathogenic.

Labcorp Genetics (formerly Invitae), Labcorp
Classification: Likely pathogenic for Joubert syndrome; Meckel-Gruber syndrome. Last evaluated: 2023-09-10. Review status: criteria provided, single submitter. Criteria: Invitae Variant Classification Sherloc (09022015). Collection method: clinical testing. Allele origin: germline.
Comment: In summary, the currently available evidence indicates that the variant is pathogenic, but additional data are needed to prove that conclusively. Therefore, this variant has been classified as Likely Pathogenic. Algorithms developed to predict the effect of sequence changes on RNA splicing suggest that this variant may disrupt the consensus splice site. ClinVar contains an entry for this variant (Variation ID: 594430). This variant has not been reported in the literature in individuals affected with CC2D2A-related conditions. This variant is not present in population databases (gnomAD no frequency). This sequence change affects a donor splice site in intron 32 of the CC2D2A gene. It is expected to disrupt RNA splicing. Variants that disrupt the donor or acceptor splice site typically lead to a loss of protein function (PMID: 16199547), and loss-of-function variants in CC2D2A are known to be pathogenic (PMID: 19777577).

Eurofins Ntd Llc (ga)
Classification: Pathogenic. Last evaluated: 2017-10-05. Review status: criteria provided, single submitter. Criteria: EGL Classification Definitions 2015. Collection method: clinical testing. Allele origin: germline. Observed: 1 variant allele, 1 heterozygote.

Literature cited by the submitters: PubMed 16199547 (cited by Labcorp Genetics (formerly Invitae), Labcorp); PubMed 19777577 (cited by Labcorp Genetics (formerly Invitae), Labcorp).

NM_001378615.1(CC2D2A):c.4065+2T>C

Genes: CC2D2A (coiled-coil and C2 domain containing 2A; plus strand), FBXL5 (F-box and leucine rich repeat protein 5; minus strand). Cytogenetic location: 4p15.32.
Variant type: single nucleotide variant.
Coding change: c.4065+2T>C on transcript NM_001378615.1 (MANE Select); the canonical splice donor site of the intron after coding-DNA position 4065, T replaced by C.
Molecular consequence: splice donor variant.
Genome position (GRCh38, 1-based): chr4:15,586,248, T>C. VCF-style: chr4-15586248-T-C. GRCh37 (hg19) VCF-style: chr4-15587871-T-C.
Other names: c.4065+2T>C (NM_001080522.2); c.3918+2T>C (NM_001378617.1).
Identifiers: ClinVar variation 594430 (VCV000594430.13), dbSNP rs1179041639, ClinGen allele CA356428591.